The following is an entry in ClinVar:

ClinVar aggregate classification (germline): Likely benign. Review status: criteria provided, multiple submitters, no conflicts (2 of 4 stars). 2 submissions from 2 submitters: Likely benign (2). Last evaluated 2024-11-01.

Conditions:
Developmental and epileptic encephalopathy, 12 (DEE12). Identifiers: MedGen C3150988, MONDO:0013389, OMIM 613722.

Allele frequency attached by ClinVar (database versions not stated): TOPMed below 0.00001; gnomAD 0.00002; gnomAD exomes 0.00003; ExAC 0.00007; 1000 Genomes Project 30x 0.00016; 1000 Genomes Project 0.00020.
gnomAD v4.1: 49 of 1,609,748 alleles (0.003%); highest among the groups gnomAD compares: South Asian, 0.052%; 1 homozygote.

Submissions (2):

CeGaT Center for Human Genetics Tuebingen
Classification: Likely benign. Last evaluated: 2024-11-01. Review status: criteria provided, single submitter. Criteria: CeGaT Center For Human Genetics Tuebingen Variant Classification Criteria Version 2. Collection method: clinical testing. Allele origin: germline. Affected: yes. Observed: 1 variant allele.
Comment: PLCB1: BP4, BP7

Labcorp Genetics (formerly Invitae), Labcorp
Classification: Likely benign for Developmental and epileptic encephalopathy, 12. Last evaluated: 2024-04-20. Review status: criteria provided, single submitter. Criteria: Invitae Variant Classification Sherloc (09022015). Collection method: clinical testing. Allele origin: germline.

NM_015192.4(PLCB1):c.585A>G (p.Pro195=)

Gene: PLCB1 (phospholipase C beta 1; plus strand). Cytogenetic location: 20p12.3.
Variant type: single nucleotide variant.
Coding change: c.585A>G on transcript NM_015192.4 (MANE Select); coding-DNA position 585, A replaced by G.
Protein change: p.Pro195=; no amino-acid change (proline 195 retained).
Molecular consequence: synonymous variant.
Genome position (GRCh38, 1-based): chr20:8,649,440, A>G. VCF-style: chr20-8649440-A-G. GRCh37 (hg19) VCF-style: chr20-8630087-A-G.
Other names: c.585A>G, p.Pro195= (NM_182734.3).
Identifiers: ClinVar variation 2157759 (VCV002157759.18), dbSNP rs537648892, ClinGen allele CA9759739.